The following is an entry in ClinVar:

NM_000051.4(ATM):c.5858C>A (p.Thr1953Lys)

Genes: ATM (ATM serine/threonine kinase; plus strand), C11orf65 (chromosome 11 open reading frame 65; minus strand). Cytogenetic location: 11q22.3.
Variant type: single nucleotide variant.
Coding change: c.5858C>A on transcript NM_000051.4 (MANE Select); coding-DNA position 5858, C replaced by A.
Protein change: p.Thr1953Lys; replaces threonine 1953 with lysine.
Molecular consequence: missense variant. On other transcripts: intron variant (2).
Genome position (GRCh38, 1-based): chr11:108,310,255, C>A. VCF-style: chr11-108310255-C-A. GRCh37 (hg19) VCF-style: chr11-108180982-C-A.
Other names: c.5858C>A, p.Thr1953Lys (NM_001351834.2); c.641-1184G>T (NM_001330368.2); c.*39-1184G>T (NM_001351110.2); short protein forms T1953K.
Identifiers: ClinVar variation 1719233 (VCV001719233.6), dbSNP rs587781963, ClinGen allele CA382548477.

ClinVar aggregate classification (germline): Uncertain significance (1 of 4 stars; one submission).

Conditions:
Ataxia-telangiectasia syndrome (AT). Also called: Ataxia telangiectasia (A-T); LOUIS-BAR SYNDROME; Cerebello-oculocutaneous telangiectasia; Immunodeficiency with ataxia telangiectasia; Ataxia-telangiectasia, complementation group D; AT, COMPLEMENTATION GROUP C. Identifiers: Orphanet 100, MedGen C0004135, MONDO:0008840, OMIM 208900.

Submission:

Labcorp Genetics (formerly Invitae), Labcorp
Classification: Uncertain significance for Ataxia-telangiectasia syndrome. Last evaluated: 2023-08-20. Review status: criteria provided, single submitter. Criteria: Invitae Variant Classification Sherloc (09022015). Collection method: clinical testing. Allele origin: germline.
Comment: This sequence change replaces threonine, which is neutral and polar, with lysine, which is basic and polar, at codon 1953 of the ATM protein (p.Thr1953Lys). This variant is not present in population databases (gnomAD no frequency). This variant has not been reported in the literature in individuals affected with ATM-related conditions. ClinVar contains an entry for this variant (Variation ID: 1719233). An algorithm developed to predict the effect of missense changes on protein structure and function (PolyPhen-2) suggests that this variant is likely to be disruptive. This variant disrupts the p.Thr1953 amino acid residue in ATM. Other variant(s) that disrupt this residue have been determined to be pathogenic (PMID: 18634022, 25186627, 26896183, 31214711). This suggests that this residue is clinically significant, and that variants that disrupt this residue are likely to be disease-causing. In summary, the available evidence is currently insufficient to determine the role of this variant in disease. Therefore, it has been classified as a Variant of Uncertain Significance.

Literature cited by the submitters: PubMed 18634022; PubMed 25186627; PubMed 26896183; PubMed 31214711.